The following is an entry in ClinVar:

ClinVar aggregate classification (germline): Conflicting classifications of pathogenicity. Review status: criteria provided, conflicting classifications (1 of 4 stars). 7 submissions from 7 submitters: Uncertain significance (5); Likely benign (1). 1 of the submissions does not count toward it. Last evaluated 2026-01-27.

Conditions:
Inborn genetic diseases. Identifiers: MedGen C0950123, MeSH D030342.
CODAS syndrome. Also called: CEREBRAL, OCULAR, DENTAL, AURICULAR, AND SKELETAL ANOMALIES SYNDROME. Identifiers: Orphanet 1458, MedGen C1838180, MONDO:0010879, OMIM 600373.

Allele frequency attached by ClinVar (database versions not stated): ExAC 0.00012; gnomAD exomes 0.00015 and 0.00021; TOPMed 0.00019; ESP Exome Variant Server 0.00023; gnomAD 0.00039 and 0.00040.
gnomAD v4.1: 369 of 1,599,184 alleles (0.023%); highest among the groups gnomAD compares: Middle Eastern, 0.05%; no homozygotes.

Submissions (7):

Labcorp Genetics (formerly Invitae), Labcorp
Classification: Likely benign. Last evaluated: 2026-01-27. Review status: criteria provided, single submitter. Criteria: Invitae Variant Classification Sherloc (09022015). Collection method: clinical testing. Allele origin: germline.

Women's Health and Genetics/Laboratory Corporation of America, LabCorp
Classification: Uncertain significance. Last evaluated: 2025-12-16. Review status: criteria provided, single submitter. Criteria: LabCorp Variant Classification Summary - May 2015. Collection method: clinical testing. Allele origin: germline.
Comment: Variant summary: LONP1 c.1600C>T (p.Arg534Cys) results in a non-conservative amino acid change in the encoded protein sequence. Algorithms developed to predict the effect of missense changes on protein structure and function all suggest that this variant is likely to be disruptive. The variant allele was found at a frequency of 0.00015 in 242264 control chromosomes. This frequency is not significantly higher than estimated for disease-causing variants in LONP1, allowing no conclusion about variant significance. To our knowledge, no occurrence of c.1600C>T in individuals affected with LONP1-related conditions and no experimental evidence demonstrating its impact on protein function have been reported. ClinVar contains an entry for this variant (Variation ID: 1518939). Based on the evidence outlined above, the variant was classified as uncertain significance.

Ambry Genetics
Classification: Uncertain significance for Inborn genetic diseases. Last evaluated: 2025-07-08. Review status: criteria provided, single submitter. Criteria: Ambry Variant Classification Scheme 2023. Collection method: clinical testing. Allele origin: germline.

Blueprint Genetics
Classification: Uncertain significance. Last evaluated: 2024-11-27. Review status: criteria provided, single submitter. Criteria: ACMG Guidelines, 2015. Collection method: clinical testing. Allele origin: germline.

Genomic Medicine Center of Excellence, King Faisal Specialist Hospital and Research Centre
Classification: Uncertain significance for CODAS syndrome. Last evaluated: 2024-03-29. Review status: criteria provided, single submitter. Criteria: ACMG Guidelines, 2015. Collection method: clinical testing. Allele origin: germline.

Breakthrough Genomics
Classification: Uncertain significance. Review status: criteria provided, single submitter. Criteria: ACMG Guidelines, 2015. Collection method: not provided. Allele origin: germline. Inheritance: Autosomal recessive inheritance. Affected: yes.

Diagnostics Centre, Carl Von Ossietzky University Oldenburg
Classification: Uncertain significance for CODAS syndrome. Last evaluated: 2025-03-25. Review status: no assertion criteria provided. Collection method: clinical testing. Allele origin: germline. Affected: yes. Observed: 1 variant allele. Not counted in ClinVar's aggregate classification.
Comment: The variant LONP1:c.1600C>T p.(Arg534Cys) which is located in the coding exon 10 of the LONP1 gene, results from a cytosine to thymine substitution at nucleotide position c.1600. The arginine residue at protein position 534 is replaced by a cysteine. In silico tools predict a severe deleterious effect in the protein structure/function (REVEL = 0.95). This variant is classified as very rare in the overall population (MAF 2.3*e-4 in gnomAD). The variant has been classified as benign as well as variant of uncertain significance in multiple entries in ClinVar (Clinvar ID: 1518939). In summary, this variant is classified as a variant of unclear significance.

NM_004793.4(LONP1):c.1600C>T (p.Arg534Cys)

Gene: LONP1 (lon peptidase 1, mitochondrial; minus strand). Cytogenetic location: 19p13.3.
Variant type: single nucleotide variant.
Coding change: c.1600C>T on transcript NM_004793.4 (MANE Select); coding-DNA position 1600, C replaced by T.
Protein change: p.Arg534Cys; replaces arginine 534 with cysteine.
Molecular consequence: missense variant. On other transcripts: non-coding transcript variant (1).
Genome position (GRCh38, 1-based): chr19:5,699,112, G>A on the plus strand (C>T on the coding strand, the complement: LONP1 is on the minus strand). VCF-style: chr19-5699112-G-A. GRCh37 (hg19) VCF-style: chr19-5699123-G-A.
Other names: c.1600C>T (NM_004793.2); c.1408C>T, p.Arg470Cys (NM_001276479.2); c.1012C>T, p.Arg338Cys (NM_001276480.1); short protein forms R470C, R338C, R534C.
Identifiers: ClinVar variation 1518939 (VCV001518939.13), dbSNP rs150732086, ClinGen allele CA9114614.